The following is an entry in ClinVar:

ClinVar aggregate classification (germline): Uncertain significance. Review status: criteria provided, multiple submitters, no conflicts (2 of 4 stars). 2 submissions from 2 submitters: Uncertain significance (2). Last evaluated 2025-11-27.

Conditions:
Inborn genetic diseases. Identifiers: MedGen C0950123, MeSH D030342.

Submissions (2):

Labcorp Genetics (formerly Invitae), Labcorp
Classification: Uncertain significance. Last evaluated: 2025-11-27. Review status: criteria provided, single submitter. Criteria: Invitae Variant Classification Sherloc (09022015). Collection method: clinical testing. Allele origin: germline.
Comment: This sequence change replaces valine, which is neutral and non-polar, with phenylalanine, which is neutral and non-polar, at codon 320 of the ANKRD26 protein (p.Val320Phe). This variant is not present in population databases (gnomAD no frequency). This variant has not been reported in the literature in individuals affected with ANKRD26-related conditions. ClinVar contains an entry for this variant (Variation ID: 4102471). An algorithm developed to predict the effect of missense changes on protein structure and function (PolyPhen-2) suggests that this variant is likely to be tolerated. In summary, the available evidence is currently insufficient to determine the role of this variant in disease. Therefore, it has been classified as a Variant of Uncertain Significance.

Ambry Genetics
Classification: Uncertain significance for Inborn genetic diseases. Last evaluated: 2025-08-01. Review status: criteria provided, single submitter. Criteria: Ambry Variant Classification Scheme 2023. Collection method: clinical testing. Allele origin: germline.
Comment: The p.V320F variant (also known as c.958G>T), located in coding exon 9 of the ANKRD26 gene, results from a G to T substitution at nucleotide position 958. The valine at codon 320 is replaced by phenylalanine, an amino acid with highly similar properties. This amino acid position is conserved. In addition, this alteration is predicted to be tolerated by in silico analysis. Based on the available evidence, the clinical significance of this variant remains unclear.

NM_014915.3(ANKRD26):c.958G>T (p.Val320Phe)

Gene: ANKRD26 (ankyrin repeat domain 26; minus strand). Cytogenetic location: 10p12.1.
Variant type: single nucleotide variant.
Coding change: c.958G>T on transcript NM_014915.3 (MANE Select); coding-DNA position 958, G replaced by T.
Protein change: p.Val320Phe; replaces valine 320 with phenylalanine.
Molecular consequence: missense variant.
Genome position (GRCh38, 1-based): chr10:27,077,457, C>A on the plus strand (G>T on the coding strand, the complement: ANKRD26 is on the minus strand). VCF-style: chr10-27077457-C-A. GRCh37 (hg19) VCF-style: chr10-27366386-C-A.
Other names: c.958G>T, p.Val320Phe (NM_001256053.2); short protein forms V320F.
Identifiers: ClinVar variation 4102471 (VCV004102471.2).